The following is an entry in ClinVar:

ClinVar aggregate classification (germline): Uncertain significance (1 of 4 stars; one submission).

gnomAD v4.1: 39 of 1,203,238 alleles (0.0032%); highest among the groups gnomAD compares: Non-Finnish European, 0.0039%; no homozygotes.

Submission:

Ambry Genetics
Classification: Uncertain significance. Last evaluated: 2025-12-02. Review status: criteria provided, single submitter. Criteria: Ambry Variant Classification Scheme 2023. Collection method: clinical testing. Allele origin: germline.
Comment: The c.74G>A (p.R25Q) alteration is located in exon 2 (coding exon 1) of the PIR gene. This alteration results from a G to A substitution at nucleotide position 74, causing the arginine (R) at amino acid position 25 to be replaced by a glutamine (Q). Based on data from gnomAD, the A allele has an overall frequency of 0.001% (2/181204) total alleles studied. The highest observed frequency was 0.003% (2/81274) of European (non-Finnish) alleles. Based on insufficient or conflicting evidence, the clinical significance of this alteration remains unclear.

NM_001018109.3(PIR):c.74G>A (p.Arg25Gln)

Genes: PIR (pirin; minus strand), PIR-FIGF (PIR-FIGF readthrough; minus strand). Cytogenetic location: Xp22.2.
Variant type: single nucleotide variant.
Coding change: c.74G>A on transcript NM_001018109.3 (MANE Select); coding-DNA position 74, G replaced by A.
Protein change: p.Arg25Gln; replaces arginine 25 with glutamine.
Molecular consequence: missense variant. On other transcripts: non-coding transcript variant (1).
Genome position (GRCh38, 1-based): chrX:15,491,184, C>T on the plus strand (G>A on the coding strand, the complement: PIR is on the minus strand). VCF-style: chrX-15491184-C-T. GRCh37 (hg19) VCF-style: chrX-15509307-C-T.
Other names: c.74G>A, p.Arg25Gln (NM_003662.4); short protein forms R25Q.
Identifiers: ClinVar variation 4568126 (VCV004568126.1).